The following is an entry in ClinVar:

ClinVar aggregate classification (germline): Pathogenic (1 of 4 stars; one submission).

Conditions:
Inborn genetic diseases. Identifiers: MedGen C0950123, MeSH D030342.

Submission:

Ambry Genetics
Classification: Pathogenic for Inborn genetic diseases. Last evaluated: 2025-01-24. Review status: criteria provided, single submitter. Criteria: Ambry Variant Classification Scheme 2023. Collection method: clinical testing. Allele origin: germline.
Comment: The c.857delA (p.E286Gfs*21) alteration, located in exon 2 (coding exon 2) of the ZBTB18 gene, consists of a deletion of one nucleotide at position 857, causing a translational frameshift with a predicted alternate stop codon after 21 amino acids. This variant is not expected to trigger nonsense-mediated mRNA decay, and impacts the last 46.3% of the protein. However, premature stop codons are typically deleterious in nature and a significant portion of the protein is affected (Ambry internal data). This variant was not reported in population-based cohorts in the Genome Aggregation Database (gnomAD). Based on the available evidence, this alteration is classified as pathogenic.

NM_205768.3(ZBTB18):c.857del (p.Glu286fs)

Gene: ZBTB18 (zinc finger and BTB domain containing 18; plus strand). Cytogenetic location: 1q44.
Variant type: Deletion.
Coding change: c.857del on transcript NM_205768.3 (MANE Select); coding-DNA position 857, one base deleted (A; older notation c.857delA).
Protein change: p.Glu286fs; shifts the reading frame from glutamic acid 286.
Molecular consequence: frameshift variant. On other transcripts: 3 prime UTR variant (1).
Genome position (GRCh38, 1-based): chr1:244,054,631, A deleted. VCF-style (leftmost placement, unchanged base first): chr1-244054630-GA-G. GRCh37 (hg19) VCF-style: chr1-244217932-GA-G.
Other names: c.830del, p.Glu277fs (NM_001278196.2, NM_006352.5); c.*34del (NM_001421566.1); short protein forms E277fs, E286fs.
Identifiers: ClinVar variation 3818262 (VCV003818262.1).